The following is an entry in ClinVar:

ClinVar aggregate classification (germline): Uncertain significance (1 of 4 stars; one submission).

Conditions:
Anemia, nonspherocytic hemolytic, due to G6PD deficiency (CNSHA1). Also called: Class I glucose-6-phosphate dehydrogenase deficiency; Favism, susceptibility to; Hemolytic anemia due to G6PD deficiency; ANEMIA, CONGENITAL, NONSPHEROCYTIC HEMOLYTIC, 1. Identifiers: Orphanet 466026, MedGen C2720289, MONDO:0010480, OMIM 300908.

Submission:

Labcorp Genetics (formerly Invitae), Labcorp
Classification: Uncertain significance for Anemia, nonspherocytic hemolytic, due to G6PD deficiency. Last evaluated: 2025-10-22. Review status: criteria provided, single submitter. Criteria: Invitae Variant Classification Sherloc (09022015). Collection method: clinical testing. Allele origin: germline.
Comment: This sequence change replaces aspartic acid, which is acidic and polar, with asparagine, which is neutral and polar, at codon 228 of the G6PD protein (p.Asp228Asn). This variant is not present in population databases (gnomAD no frequency). This variant has not been reported in the literature in individuals affected with G6PD-related conditions. Invitae Evidence Modeling of protein sequence and biophysical properties (such as structural, functional, and spatial information, amino acid conservation, physicochemical variation, residue mobility, and thermodynamic stability) has been performed for this missense variant. However, the output from this modeling did not meet the statistical confidence thresholds required to predict the impact of this variant on G6PD protein function. In summary, the available evidence is currently insufficient to determine the role of this variant in disease. Therefore, it has been classified as a Variant of Uncertain Significance.

NM_001360016.2(G6PD):c.682G>A (p.Asp228Asn)

Gene: G6PD (glucose-6-phosphate dehydrogenase; minus strand). Cytogenetic location: Xq28.
Variant type: single nucleotide variant.
Coding change: c.682G>A on transcript NM_001360016.2 (MANE Select); coding-DNA position 682, G replaced by A.
Protein change: p.Asp228Asn; replaces aspartic acid 228 with asparagine.
Molecular consequence: missense variant.
Genome position (GRCh38, 1-based): chrX:154,534,123, C>T on the plus strand (G>A on the coding strand, the complement: G6PD is on the minus strand). VCF-style: chrX-154534123-C-T. GRCh37 (hg19) VCF-style: chrX-153762338-C-T.
Other names: c.772G>A, p.Asp258Asn (NM_000402.4); c.682G>A, p.Asp228Asn (NM_001042351.3); short protein forms D258N, D228N.
Identifiers: ClinVar variation 4710931 (VCV004710931.1).
Genomic context (GRCh38, chrX:154,534,123, plus strand): 5'-CCCCGCGACCCTCAGTGCCAAAGGGCTCCTTGAAGGTGAGGATAACGCAGGCGATGTTGT[C>T]CCGGTTCCAGATGGGGCCGAAGATCCTGTTGGCAAATCTGCAGGGAGGGGCAAGGTGGAG-3'
Protein context (NP_001346945.1, residues 218-238): NRIFGPIWNR[Asp228Asn]NIACVILTFK